The following is an entry in ClinVar:

ClinVar aggregate classification (germline): Uncertain significance (1 of 4 stars; one submission).

Submission:

Labcorp Genetics (formerly Invitae), Labcorp
Classification: Uncertain significance. Last evaluated: 2025-12-17. Review status: criteria provided, single submitter. Criteria: Invitae Variant Classification Sherloc (09022015). Collection method: clinical testing. Allele origin: germline.
Comment: This sequence change creates a premature translational stop signal (p.Pro1536Hisfs*35) in the TET2 gene. While this is not anticipated to result in nonsense mediated decay, it is expected to disrupt the last 467 amino acid(s) of the TET2 protein. This variant is not present in population databases (gnomAD no frequency). This variant has not been reported in the literature in individuals affected with TET2-related conditions. Experimental studies and prediction algorithms are not available or were not evaluated, and the functional significance of this variant is currently unknown. In summary, the available evidence is currently insufficient to determine the role of this variant in disease. Therefore, it has been classified as a Variant of Uncertain Significance.

NM_001127208.3(TET2):c.4607del (p.Pro1536fs)

Genes: TET2 (tet methylcytosine dioxygenase 2; plus strand), TET2-AS1 (TET2 antisense RNA 1; minus strand). Cytogenetic location: 4q24.
Variant type: Deletion.
Coding change: c.4607del on transcript NM_001127208.3 (MANE Select); coding-DNA position 4607, one base deleted (C; older notation c.4607delC).
Protein change: p.Pro1536fs; shifts the reading frame from proline 1536.
Molecular consequence: frameshift variant.
Genome position (GRCh38, 1-based): chr4:105,275,117, C deleted; the last of 2 consecutive C bases (chr4:105,275,116-105,275,117); deleting either gives the same sequence. VCF-style (leftmost placement, unchanged base first): chr4-105275115-AC-A. GRCh37 (hg19) VCF-style: chr4-106196272-AC-A.
Other names: short protein forms P1536fs.
Identifiers: ClinVar variation 4733460 (VCV004733460.1).